The following is an entry in ClinVar:

NM_000726.5(CACNB4):c.1239G>A (p.Leu413=)

Gene: CACNB4 (calcium voltage-gated channel auxiliary subunit beta 4; minus strand). Cytogenetic location: 2q23.3.
Variant type: single nucleotide variant.
Coding change: c.1239G>A on transcript NM_000726.5 (MANE Select); coding-DNA position 1239, G replaced by A.
Protein change: p.Leu413=; no amino-acid change (leucine 413 retained).
Molecular consequence: synonymous variant. On other transcripts: intron variant (1).
Genome position (GRCh38, 1-based): chr2:151,841,966, C>T on the plus strand (G>A on the coding strand, the complement: CACNB4 is on the minus strand). VCF-style: chr2-151841966-C-T. GRCh37 (hg19) VCF-style: chr2-152698480-C-T.
Other names: p.L413L:CTG>CTA; c.1185G>A, p.Leu395= (NM_001005746.4); c.1137G>A, p.Leu379= (NM_001005747.4); c.1098G>A, p.Leu366= (NM_001320722.3, NM_001330118.2); c.996G>A, p.Leu332= (NM_001330113.2); c.585G>A, p.Leu195= (NM_001330114.2); c.948G>A, p.Leu316= (NM_001330115.2); c.909G>A, p.Leu303= (NM_001330116.2); and 2 more.
Identifiers: ClinVar variation 128561 (VCV000128561.20), dbSNP rs1805028, ClinGen allele CA288701.

ClinVar aggregate classification (germline): Benign/Likely benign. Review status: criteria provided, multiple submitters, no conflicts (2 of 4 stars). 7 submissions from 7 submitters: Benign (5); Likely benign (1). 1 of the submissions does not count toward it. Last evaluated 2025-11-06.

Conditions:
Idiopathic generalized epilepsy. Also called: Generalised epilepsy; EIG. Identifiers: MedGen C0270850, MONDO:0005579, OMIM 600669.
Episodic ataxia type 5. Identifiers: Orphanet 211067, MedGen C1866039, MONDO:0013464, OMIM 613855.

Allele frequency attached by ClinVar (database versions not stated): ESP Exome Variant Server 0.04811; gnomAD 0.06506 and 0.05818; gnomAD exomes 0.05583 and 0.08150; 1000 Genomes Project 30x 0.13648; ExAC 0.08278; TOPMed 0.06262; 1000 Genomes Project 0.14058.
gnomAD v4.1: 92,000 of 1,613,638 alleles (5.7%); highest among the groups gnomAD compares: East Asian, 37%; 5,773 homozygotes.

Submissions (7):

Labcorp Genetics (formerly Invitae), Labcorp
Classification: Benign for Idiopathic generalized epilepsy. Last evaluated: 2025-11-06. Review status: criteria provided, single submitter. Criteria: Invitae Variant Classification Sherloc (09022015). Collection method: clinical testing. Allele origin: germline.

Blueprint Genetics
Classification: Likely benign. Last evaluated: 2024-11-26. Review status: criteria provided, single submitter. Criteria: ACMG Guidelines, 2015. Collection method: clinical testing. Allele origin: germline.

Athena Diagnostics
Classification: Benign. Last evaluated: 2019-09-30. Review status: criteria provided, single submitter. Criteria: Athena Diagnostics Criteria. Collection method: clinical testing. Allele origin: unknown.

Illumina Laboratory Services, Illumina
Classification: Benign for Episodic ataxia type 5. Last evaluated: 2018-01-13. Review status: criteria provided, single submitter. Criteria: ICSL Variant Classification Criteria 13 December 2019. Collection method: clinical testing. Allele origin: germline.
Comment: This variant was observed in the ICSL laboratory as part of a predisposition screen in an ostensibly healthy population. It had not been previously curated by ICSL or reported in the Human Gene Mutation Database (HGMD: prior to June 1st, 2018), and was therefore a candidate for classification through an automated scoring system. Utilizing variant allele frequency, disease prevalence and penetrance estimates, and inheritance mode, an automated score was calculated to assess if this variant is too frequent to cause the disease. Based on the score and internal cut-off values, a variant classified as benign is not then subjected to further curation. The score for this variant resulted in a classification of benign for this disease.

GeneDx
Classification: Benign. Last evaluated: 2012-03-05. Review status: criteria provided, single submitter. Criteria: GeneDx Variant Classification (06012015). Collection method: clinical testing. Allele origin: germline. Affected: yes.
Comment: This variant is considered likely benign or benign based on one or more of the following criteria: it is a conservative change, it occurs at a poorly conserved position in the protein, it is predicted to be benign by multiple in silico algorithms, and/or has population frequency not consistent with disease.

Breakthrough Genomics
Classification: Benign. Review status: criteria provided, single submitter. Criteria: ACMG Guidelines, 2015. Collection method: not provided. Allele origin: germline. Inheritance: Autosomal dominant inheritance. Affected: yes.

Genetic Services Laboratory, University of Chicago
Classification: Likely benign for AllHighlyPenetrant. Review status: no assertion criteria provided. Collection method: clinical testing. Allele origin: germline. Inheritance: Autosomal dominant inheritance. Not counted in ClinVar's aggregate classification.
Comment: Likely benign based on allele frequency in 1000 Genomes Project or ESP global frequency and its presence in a patient with a rare or unrelated disease phenotype. NOT Sanger confirmed.